The following is an entry in ClinVar:

ClinVar aggregate classification (germline): Likely benign (1 of 4 stars; one submission).

Submission:

CeGaT Center for Human Genetics Tuebingen
Classification: Likely benign. Last evaluated: 2026-08-01. Review status: criteria provided, single submitter. Criteria: CeGaT Center For Human Genetics Tuebingen Variant Classification Criteria Version 2. Collection method: clinical testing. Allele origin: germline. Affected: yes. Observed: 1 variant allele.
Comment: MACF1: PM2:Supporting, BP4, BP7

NM_012090.5(MACF1):c.102G>A (p.Leu34=)

Gene: MACF1 (microtubule actin crosslinking factor 1; plus strand). Cytogenetic location: 1p34.3.
Variant type: single nucleotide variant.
Coding change: c.102G>A on transcript NM_012090.5; coding-DNA position 102, G replaced by A.
Protein change: p.Leu34=; no amino-acid change (leucine 34 retained).
Molecular consequence: synonymous variant.
Genome position (GRCh38, 1-based): chr1:39,084,320, G>A. VCF-style: chr1-39084320-G-A. GRCh37 (hg19) VCF-style: chr1-39549992-G-A.
Identifiers: ClinVar variation 5039554 (VCV005039554.1).